The following is an entry in ClinVar:

NM_016216.4(DBR1):c.182T>C (p.Met61Thr)

Gene: DBR1 (debranching RNA lariats 1; minus strand). Cytogenetic location: 3q22.3.
Variant type: single nucleotide variant.
Coding change: c.182T>C on transcript NM_016216.4 (MANE Select); coding-DNA position 182, T replaced by C.
Protein change: p.Met61Thr; replaces methionine 61 with threonine.
Molecular consequence: missense variant.
Genome position (GRCh38, 1-based): chr3:138,174,614, A>G on the plus strand (T>C on the coding strand, the complement: DBR1 is on the minus strand). VCF-style: chr3-138174614-A-G. GRCh37 (hg19) VCF-style: chr3-137893456-A-G.
Other names: c.182T>C (NM_016216.3); short protein forms M61T.
Identifiers: ClinVar variation 2103580 (VCV002103580.4), dbSNP rs2472974918, ClinGen allele CA354678962.

ClinVar aggregate classification (germline): Uncertain significance. Review status: criteria provided, multiple submitters, no conflicts (2 of 4 stars). 2 submissions from 2 submitters: Uncertain significance (2). Last evaluated 2025-08-11.

Conditions:
Inborn genetic diseases. Identifiers: MedGen C0950123, MeSH D030342.

Submissions (2):

Ambry Genetics
Classification: Uncertain significance for Inborn genetic diseases. Last evaluated: 2025-08-11. Review status: criteria provided, single submitter. Criteria: Ambry Variant Classification Scheme 2023. Collection method: clinical testing. Allele origin: germline.

Labcorp Genetics (formerly Invitae), Labcorp
Classification: Uncertain significance. Last evaluated: 2022-02-25. Review status: criteria provided, single submitter. Criteria: Invitae Variant Classification Sherloc (09022015). Collection method: clinical testing. Allele origin: germline.
Comment: This sequence change replaces methionine, which is neutral and non-polar, with threonine, which is neutral and polar, at codon 61 of the DBR1 protein (p.Met61Thr). This variant is not present in population databases (gnomAD no frequency). This variant has not been reported in the literature in individuals affected with DBR1-related conditions. Algorithms developed to predict the effect of missense changes on protein structure and function (SIFT, PolyPhen-2, Align-GVGD) all suggest that this variant is likely to be disruptive. In summary, the available evidence is currently insufficient to determine the role of this variant in disease. Therefore, it has been classified as a Variant of Uncertain Significance.